The following is an entry in ClinVar:

ClinVar aggregate classification (germline): Uncertain significance (1 of 4 stars; one submission).

Allele frequency attached by ClinVar (database versions not stated): gnomAD 0.00001.
gnomAD v4.1: 2 of 1,614,082 alleles (0.00012%); highest among the groups gnomAD compares: African/African-American, 0.0027%; no homozygotes.

Submission:

Labcorp Genetics (formerly Invitae), Labcorp
Classification: Uncertain significance. Last evaluated: 2023-11-27. Review status: criteria provided, single submitter. Criteria: Invitae Variant Classification Sherloc (09022015). Collection method: clinical testing. Allele origin: germline.
Comment: This sequence change replaces valine, which is neutral and non-polar, with glycine, which is neutral and non-polar, at codon 470 of the RP1 protein (p.Val470Gly). This variant is present in population databases (no rsID available, gnomAD 0.01%). This variant has not been reported in the literature in individuals affected with RP1-related conditions. ClinVar contains an entry for this variant (Variation ID: 1023321). An algorithm developed to predict the effect of missense changes on protein structure and function (PolyPhen-2) suggests that this variant is likely to be disruptive. In summary, the available evidence is currently insufficient to determine the role of this variant in disease. Therefore, it has been classified as a Variant of Uncertain Significance.

NM_006269.2(RP1):c.1409T>G (p.Val470Gly)

Gene: RP1 (RP1 axonemal microtubule associated; plus strand). Cytogenetic location: 8q12.1.
Variant type: single nucleotide variant.
Coding change: c.1409T>G on transcript NM_006269.2 (MANE Select); coding-DNA position 1409, T replaced by G.
Protein change: p.Val470Gly; replaces valine 470 with glycine.
Molecular consequence: missense variant. On other transcripts: intron variant (1).
Genome position (GRCh38, 1-based): chr8:54,625,291, T>G. VCF-style: chr8-54625291-T-G. GRCh37 (hg19) VCF-style: chr8-55537851-T-G.
Other names: c.787+3003T>G (NM_001375654.1); short protein forms V470G.
Identifiers: ClinVar variation 1023321 (VCV001023321.8), dbSNP rs967778254, ClinGen allele CA177236728.